The following is an entry in ClinVar:

ClinVar aggregate classification (germline): Uncertain significance (1 of 4 stars; one submission).

Conditions:
Mitochondrial complex I deficiency, nuclear type 1. Also called: NADH-COENZYME Q REDUCTASE DEFICIENCY; MITOCHONDRIAL NADH DEHYDROGENASE COMPONENT OF COMPLEX I, DEFICIENCY OF. Identifiers: MedGen C6022305, MONDO:0100224, OMIM 252010.

Submission:

Baylor Genetics
Classification: Uncertain significance for Mitochondrial complex I deficiency, nuclear type 1. Last evaluated: 2019-04-06. Review status: criteria provided, single submitter. Criteria: ACMG Guidelines, 2015. Collection method: clinical testing. Allele origin: unknown. Affected: yes.
Comment: This variant was determined to be of uncertain significance according to ACMG Guidelines, 2015 [PMID:25741868].

NM_024120.5(NDUFAF5):c.135T>A (p.Asn45Lys)

Genes: NDUFAF5 (NADH:ubiquinone oxidoreductase complex assembly factor 5; plus strand), LOC130065433 (ATAC-STARR-seq lymphoblastoid active region 17552; plus strand). Cytogenetic location: 20p12.1.
Variant type: single nucleotide variant.
Coding change: c.135T>A on transcript NM_024120.5 (MANE Select); coding-DNA position 135, T replaced by A.
Protein change: p.Asn45Lys; replaces asparagine 45 with lysine.
Molecular consequence: missense variant. On other transcripts: 5 prime UTR variant (3), non-coding transcript variant (7).
Genome position (GRCh38, 1-based): chr20:13,785,203, T>A. VCF-style: chr20-13785203-T-A. GRCh37 (hg19) VCF-style: chr20-13765849-T-A.
Other names: c.135T>A, p.Asn45Lys (NM_001039375.3, NM_001352408.2); c.-233T>A (NM_001352403.2); c.-447T>A (NM_001352406.2); c.-561T>A (NM_001352407.2); short protein forms N45K.
Identifiers: ClinVar variation 1028294 (VCV001028294.1), dbSNP rs1980757406, ClinGen allele CA408282309.